The following is an entry in ClinVar:

ClinVar aggregate classification (germline): Uncertain significance (1 of 4 stars; one submission).

Conditions:
Xeroderma pigmentosum, group C (XPC). Also called: Xeroderma pigmentosum, complementation group C; XERODERMA PIGMENTOSUM III; XP, GROUP C; XPC-Related Xeroderma Pigmentosum. Identifiers: Orphanet 910, MedGen C2752147, MONDO:0010211, OMIM 278720.

Submission:

Myriad Genetics, Inc.
Classification: Uncertain significance for Xeroderma pigmentosum, group C. Last evaluated: 2025-10-15. Review status: criteria provided, single submitter. Criteria: Myriad Autosomal Dominant, Autosomal Recessive and X-Linked Classification Criteria (2023). Collection method: clinical testing. Allele origin: unknown.
Comment: NM_004628.4(XPC):c.2815C>T(Q939*) is a nonsense variant classified as a variant of uncertain significance in the context of xeroderma pigmentosum group C. Q939* has not been observed in cases with relevant disease. Relevant functional assessments of this variant are not available in the literature. Q939* has not been observed in referenced population frequency databases. In summary, there is insufficient evidence to classify NM_004628.4(XPC):c.2815C>T(Q939*) as pathogenic or benign. Please note: this variant was assessed in the context of healthy population screening.

NM_004628.5(XPC):c.2815C>T (p.Gln939Ter)

Gene: XPC (XPC complex subunit, DNA damage recognition and repair factor; minus strand). Cytogenetic location: 3p25.1.
Variant type: single nucleotide variant.
Coding change: c.2815C>T on transcript NM_004628.5 (MANE Select); coding-DNA position 2815, C replaced by T.
Protein change: p.Gln939Ter; replaces glutamine 939 with a stop codon.
Molecular consequence: nonsense. On other transcripts: non-coding transcript variant (2).
Genome position (GRCh38, 1-based): chr3:14,145,949, G>A on the plus strand (C>T on the coding strand, the complement: XPC is on the minus strand). VCF-style: chr3-14145949-G-A. GRCh37 (hg19) VCF-style: chr3-14187449-G-A.
Other names: c.2236C>T, p.Gln746Ter (NM_001354726.2); c.2809C>T, p.Gln937Ter (NM_001354727.2); c.2797C>T, p.Gln933Ter (NM_001354729.2); c.2569C>T, p.Gln857Ter (NM_001354730.2); short protein forms Q933*, Q857*, Q746*, Q937*, Q939*.
Identifiers: ClinVar variation 5003511 (VCV005003511.1).